The following is an entry in ClinVar:

ClinVar aggregate classification (germline): Conflicting classifications of pathogenicity. Review status: criteria provided, conflicting classifications (1 of 4 stars). 4 submissions from 4 submitters: Uncertain significance (3); Likely benign (1). Last evaluated 2025-11-03.

Conditions:
Inborn genetic diseases. Identifiers: MedGen C0950123, MeSH D030342.
Dyskeratosis congenita. Identifiers: Orphanet 1775, MedGen C0265965, MONDO:0015780.
Cerebroretinal microangiopathy with calcifications and cysts 1 (CRMCC1). Identifiers: Orphanet 313838, MedGen C4552029, MONDO:0024564, OMIM 612199.

Allele frequency attached by ClinVar (database versions not stated): gnomAD 0.00001; gnomAD exomes 0.00001; TOPMed 0.00001; ExAC 0.00002; 1000 Genomes Project 0.00020; 1000 Genomes Project 30x 0.00031.

Submissions (4):

Labcorp Genetics (formerly Invitae), Labcorp
Classification: Uncertain significance for Dyskeratosis congenita. Last evaluated: 2025-11-03. Review status: criteria provided, single submitter. Criteria: Invitae Variant Classification Sherloc (09022015). Collection method: clinical testing. Allele origin: germline.
Comment: This sequence change replaces arginine, which is basic and polar, with histidine, which is basic and polar, at codon 306 of the CTC1 protein (p.Arg306His). This variant is present in population databases (rs567779457, gnomAD 0.0009%). This variant has not been reported in the literature in individuals affected with CTC1-related conditions. ClinVar contains an entry for this variant (Variation ID: 862298). Invitae Evidence Modeling of protein sequence and biophysical properties (such as structural, functional, and spatial information, amino acid conservation, physicochemical variation, residue mobility, and thermodynamic stability) indicates that this missense variant is not expected to disrupt CTC1 protein function with a negative predictive value of 80%. In summary, the available evidence is currently insufficient to determine the role of this variant in disease. Therefore, it has been classified as a Variant of Uncertain Significance.

Ambry Genetics
Classification: Likely benign for Inborn genetic diseases. Last evaluated: 2025-02-12. Review status: criteria provided, single submitter. Criteria: Ambry Variant Classification Scheme 2023. Collection method: clinical testing. Allele origin: germline.

Genome-Nilou Lab
Classification: Uncertain significance for Cerebroretinal microangiopathy with calcifications and cysts 1. Last evaluated: 2021-07-15. Review status: criteria provided, single submitter. Criteria: ACMG Guidelines, 2015. Collection method: clinical testing. Allele origin: germline. Affected: no.

Illumina Laboratory Services, Illumina
Classification: Uncertain significance for Dyskeratosis congenita. Last evaluated: 2018-01-12. Review status: criteria provided, single submitter. Criteria: ICSL Variant Classification Criteria 13 December 2019. Collection method: clinical testing. Allele origin: germline.

NM_025099.6(CTC1):c.917G>A (p.Arg306His)

Gene: CTC1 (CST telomere replication complex component 1; minus strand). Cytogenetic location: 17p13.1.
Variant type: single nucleotide variant.
Coding change: c.917G>A on transcript NM_025099.6 (MANE Select); coding-DNA position 917, G replaced by A.
Protein change: p.Arg306His; replaces arginine 306 with histidine.
Molecular consequence: missense variant. On other transcripts: non-coding transcript variant (1).
Genome position (GRCh38, 1-based): chr17:8,236,218, C>T on the plus strand (G>A on the coding strand, the complement: CTC1 is on the minus strand). VCF-style: chr17-8236218-C-T. GRCh37 (hg19) VCF-style: chr17-8139536-C-T.
Other names: short protein forms R306H.
Identifiers: ClinVar variation 862298 (VCV000862298.16), dbSNP rs567779457, ClinGen allele CA8372521.